The following is an entry in ClinVar:

NM_032382.5(COG8):c.603G>A (p.Val201=)

Gene: COG8 (component of oligomeric golgi complex 8; minus strand). Cytogenetic location: 16q22.1.
Variant type: single nucleotide variant.
Coding change: c.603G>A on transcript NM_032382.5 (MANE Select); coding-DNA position 603, G replaced by A.
Protein change: p.Val201=; no amino-acid change (valine 201 retained).
Molecular consequence: synonymous variant.
Genome position (GRCh38, 1-based): chr16:69,335,331, C>T on the plus strand (G>A on the coding strand, the complement: COG8 is on the minus strand). VCF-style: chr16-69335331-C-T. GRCh37 (hg19) VCF-style: chr16-69369234-C-T.
Other names: c.603G>A, p.Val201= (NM_001374871.1, NM_001379261.1, NM_001379262.1 and 4 more transcripts).
Identifiers: ClinVar variation 384763 (VCV000384763.17), dbSNP rs141435327, ClinGen allele CA8133899.

ClinVar aggregate classification (germline): Conflicting classifications of pathogenicity. Review status: criteria provided, conflicting classifications (1 of 4 stars). 4 submissions from 4 submitters: Uncertain significance (1); Benign (1); Likely benign (2). Last evaluated 2025-11-18.

Conditions:
COG8-congenital disorder of glycosylation. Also called: COG8-CDG; CDG IIh. Identifiers: Orphanet 95428, MedGen C1970021, MONDO:0012635, OMIM 611182.

Allele frequency attached by ClinVar (database versions not stated): 1000 Genomes Project 0.00040; 1000 Genomes Project 30x 0.00047; gnomAD 0.00076 and 0.00078; TOPMed 0.00097; ESP Exome Variant Server 0.00115; gnomAD exomes 0.00145; ExAC 0.00154.

Submissions (4):

Labcorp Genetics (formerly Invitae), Labcorp
Classification: Benign for COG8-congenital disorder of glycosylation. Last evaluated: 2025-11-18. Review status: criteria provided, single submitter. Criteria: Invitae Variant Classification Sherloc (09022015). Collection method: clinical testing. Allele origin: germline.

Blueprint Genetics
Classification: Likely benign. Last evaluated: 2024-11-19. Review status: criteria provided, single submitter. Criteria: ACMG Guidelines, 2015. Collection method: clinical testing. Allele origin: germline.

GeneDx
Classification: Likely benign. Last evaluated: 2018-03-16. Review status: criteria provided, single submitter. Criteria: GeneDx Variant Classification (06012015). Collection method: clinical testing. Allele origin: germline. Affected: yes.
Comment: This variant is considered likely benign or benign based on one or more of the following criteria: it is a conservative change, it occurs at a poorly conserved position in the protein, it is predicted to be benign by multiple in silico algorithms, and/or has population frequency not consistent with disease.

Illumina Laboratory Services, Illumina
Classification: Uncertain significance for COG8-congenital disorder of glycosylation. Last evaluated: 2018-01-12. Review status: criteria provided, single submitter. Criteria: ICSL Variant Classification Criteria 13 December 2019. Collection method: clinical testing. Allele origin: germline.